The following is an entry in ClinVar:

ClinVar aggregate classification (germline): Likely benign. Review status: criteria provided, multiple submitters, no conflicts (2 of 4 stars). 5 submissions from 5 submitters: Likely benign (4). 1 of the submissions does not count toward it. Last evaluated 2026-04-01.

Conditions:
Usher syndrome type 2A. Also called: RETINAL DISEASE IN USHER SYNDROME TYPE IIA, MODIFIER OF; USHER SYNDROME, TYPE IIA. Identifiers: Orphanet 231178, Orphanet 886, MedGen C1848634, MONDO:0010169, OMIM 276901.
Retinal dystrophy. Also called: Inherited retinal dystrophy. Identifiers: Orphanet 71862, MedGen C0854723, MeSH D058499, MONDO:0019118, HP:0000556.

Allele frequency attached by ClinVar (database versions not stated): ExAC 0.00005; gnomAD exomes 0.00006; gnomAD 0.00007 and 0.00008; TOPMed 0.00007; ESP Exome Variant Server 0.00015.
gnomAD v4.1: 98 of 1,611,452 alleles (0.0061%); highest among the groups gnomAD compares: Middle Eastern, 0.082%; no homozygotes.

Submissions (5):

CeGaT Center for Human Genetics Tuebingen
Classification: Likely benign. Last evaluated: 2026-04-01. Review status: criteria provided, single submitter. Criteria: CeGaT Center For Human Genetics Tuebingen Variant Classification Criteria Version 2. Collection method: clinical testing. Allele origin: germline. Affected: yes. Observed: 1 variant allele.
Comment: USH2A: BP4, BP7

Labcorp Genetics (formerly Invitae), Labcorp
Classification: Likely benign. Last evaluated: 2024-06-09. Review status: criteria provided, single submitter. Criteria: Invitae Variant Classification Sherloc (09022015). Collection method: clinical testing. Allele origin: germline.

Blueprint Genetics
Classification: Likely benign. Last evaluated: 2024-04-12. Review status: criteria provided, single submitter. Criteria: ACMG Guidelines, 2015. Collection method: clinical testing. Allele origin: germline.

Dept Of Ophthalmology, Nagoya University
Classification: Likely benign for Retinal dystrophy. Last evaluated: 2023-10-01. Review status: criteria provided, single submitter. Criteria: Submitter's publication. Collection method: research. Allele origin: germline. Affected: yes.

Natera, Inc.
Classification: Likely benign for Usher syndrome type 2A. Last evaluated: 2020-05-01. Review status: no assertion criteria provided. Collection method: clinical testing. Allele origin: germline. Not counted in ClinVar's aggregate classification.

NM_206933.4(USH2A):c.11466C>T (p.Ser3822=)

Gene: USH2A (usherin; minus strand). Cytogenetic location: 1q41.
Variant type: single nucleotide variant.
Coding change: c.11466C>T on transcript NM_206933.4 (MANE Select); coding-DNA position 11466, C replaced by T.
Protein change: p.Ser3822=; no amino-acid change (serine 3822 retained).
Molecular consequence: synonymous variant.
Genome position (GRCh38, 1-based): chr1:215,743,259, G>A on the plus strand (C>T on the coding strand, the complement: USH2A is on the minus strand). VCF-style: chr1-215743259-G-A. GRCh37 (hg19) VCF-style: chr1-215916601-G-A.
Identifiers: ClinVar variation 796142 (VCV000796142.15), dbSNP rs144655434, ClinGen allele CA1393702.